The following is an entry in ClinVar:

ClinVar aggregate classification (germline): Conflicting classifications of pathogenicity. Review status: criteria provided, conflicting classifications (1 of 4 stars). 10 submissions from 10 submitters: Uncertain significance (3); Benign (1); Likely benign (6). Last evaluated 2026-03-06.

Conditions:
REEP1-related disorder. Also called: REEP1-related condition.
Inborn genetic diseases. Identifiers: MedGen C0950123, MeSH D030342.
Hereditary spastic paraplegia 31. Also called: SPASTIC PARAPLEGIA 31, AUTOSOMAL DOMINANT. Identifiers: Orphanet 101011, MedGen C1853247, MONDO:0012453, OMIM 610250.

Allele frequency attached by ClinVar (database versions not stated): 1000 Genomes Project 30x 0.00016; 1000 Genomes Project 0.00020; TOPMed 0.00036; gnomAD 0.00040 and 0.00041; gnomAD exomes 0.00051 and 0.00053; ESP Exome Variant Server 0.00054; ExAC 0.00072.
gnomAD v4.1: 824 of 1,613,890 alleles (0.051%); highest among the groups gnomAD compares: Non-Finnish European, 0.062%; 1 homozygote.

Submissions (10):

Women's Health and Genetics/Laboratory Corporation of America, LabCorp
Classification: Uncertain significance. Last evaluated: 2026-03-06. Review status: criteria provided, single submitter. Criteria: LabCorp Variant Classification Summary - May 2015. Collection method: clinical testing. Allele origin: germline.
Comment: Variant summary: REEP1 c.*50G>A is located in the untranslated mRNA region downstream of the termination codon. The variant allele was found at a frequency of 0.00051 in 249100 control chromosomes, predominantly at a frequency of 0.00083 within the Non-Finnish European subpopulation in the gnomAD database. This frequency is not significantly higher than estimated for disease-causing variants in REEP1, allowing no conclusion about variant significance. c.*50G>A has been reported in at least one homozygous individual affected with hereditary spastic paraplegia and one individual of unreported genotype affected with hereditary motor neuropathy (e.g. Zuchner_2015, Antoniadi_2015). These report(s) do not provide unequivocal conclusions about association of the variant with Spinal muscular atrophy, distal, autosomal recessive, 6. To our knowledge, no experimental evidence demonstrating an impact on protein function has been reported. The following publications have been ascertained in the context of this evaluation (PMID: 26392352, 16826527). ClinVar contains an entry for this variant (Variation ID: 215087). Based on the evidence outlined above, the variant was classified as uncertain significance.

CeGaT Center for Human Genetics Tuebingen
Classification: Likely benign. Last evaluated: 2026-01-01. Review status: criteria provided, single submitter. Criteria: CeGaT Center For Human Genetics Tuebingen Variant Classification Criteria Version 2. Collection method: clinical testing. Allele origin: germline. Affected: yes. Observed: 5 variant alleles.
Comment: REEP1: PP3, BS1

Labcorp Genetics (formerly Invitae), Labcorp
Classification: Likely benign for Hereditary spastic paraplegia 31. Last evaluated: 2025-10-02. Review status: criteria provided, single submitter. Criteria: Invitae Variant Classification Sherloc (09022015). Collection method: clinical testing. Allele origin: germline.

PreventionGenetics, part of Exact Sciences
Classification: Likely benign for REEP1-related condition. Last evaluated: 2025-02-28. Review status: criteria provided, single submitter. Criteria: ACMG Guidelines, 2015. Collection method: clinical testing. Allele origin: germline.
Comment: This variant is classified as likely benign based on ACMG/AMP sequence variant interpretation guidelines (Richards et al. 2015 PMID: 25741868, with internal and published modifications).

ARUP Laboratories, Molecular Genetics and Genomics, ARUP Laboratories
Classification: Uncertain significance. Last evaluated: 2025-02-26. Review status: criteria provided, single submitter. Criteria: ARUP Molecular Germline Variant Investigation Process 2024. Collection method: clinical testing. Allele origin: germline.
Comment: The REEP1 c.*50G>A variant (rs189652973), also known as c.606+50G>A, is reported in the literature in an individual affected with spastic paraplegia with a family history of disease (Zuchner 2006). This variant was also observed in an unaffected relative of an affected individual, although no neurological examination information was provided (Zuchner 2006). The c.*50G>A variant is reported in ClinVar (Variation ID: 215087), and is observed in the non-Finnish European population with an allele frequency of 0.08% (101/126844 alleles) in the Genome Aggregation Database (v2.1.1). This variant occurs in the 3' untranslated region at a nucleotide that is moderately conserved and is predicted to alter a microRNA binding site and impact protein levels (Zuchner 2006), however this was not verified with functional studies. Given the lack of clinical and functional data, the significance of the c.*50G>A variant is uncertain at this time. References: Zuchner S et al. Mutations in the novel mitochondrial protein REEP1 cause hereditary spastic paraplegia type 31. Am J Hum Genet. 2006 Aug;79(2):365-9. PMID: 16826527.

Blueprint Genetics
Classification: Likely benign. Last evaluated: 2024-10-28. Review status: criteria provided, single submitter. Criteria: ACMG Guidelines, 2015. Collection method: clinical testing. Allele origin: germline.

Ambry Genetics
Classification: Likely benign for Inborn genetic diseases. Last evaluated: 2023-02-20. Review status: criteria provided, single submitter. Criteria: Ambry Variant Classification Scheme 2023. Collection method: clinical testing. Allele origin: germline.

GeneDx
Classification: Benign. Last evaluated: 2020-10-14. Review status: criteria provided, single submitter. Criteria: GeneDx Variant Classification Process June 2021. Collection method: clinical testing. Allele origin: germline. Affected: yes.
Comment: This variant is associated with the following publications: (PMID: 16826527)

Mendelics
Classification: Uncertain significance for Hereditary spastic paraplegia 31. Last evaluated: 2019-05-28. Review status: criteria provided, single submitter. Criteria: Mendelics Assertion Criteria 2017. Collection method: clinical testing. Allele origin: unknown.

Illumina Laboratory Services, Illumina
Classification: Likely benign for Hereditary spastic paraplegia 31. Last evaluated: 2017-04-27. Review status: criteria provided, single submitter. Criteria: ICSL Variant Classification Criteria 13 December 2019. Collection method: clinical testing. Allele origin: germline.
Comment: This variant was observed as part of a predisposition screen in an ostensibly healthy population. A literature search was performed for the gene, cDNA change, and amino acid change (where applicable). Publications were found based on this search. The evidence from the literature, in combination with allele frequency data from public databases where available, was sufficient to determine this variant is unlikely to cause disease. Therefore, this variant is classified as likely benign.

Literature cited by the submitters: PubMed 26392352 (cited by Women's Health and Genetics/Laboratory Corporation of America, LabCorp); PubMed 16826527 (cited by Women's Health and Genetics/Laboratory Corporation of America, LabCorp and Illumina Laboratory Services, Illumina).

NM_001371279.1(REEP1):c.844G>A (p.Glu282Lys)

Gene: REEP1 (receptor accessory protein 1; minus strand). Cytogenetic location: 2p11.2.
Variant type: single nucleotide variant.
Coding change: c.844G>A on transcript NM_001371279.1 (MANE Select); coding-DNA position 844, G replaced by A.
Protein change: p.Glu282Lys; replaces glutamic acid 282 with lysine.
Molecular consequence: missense variant. On other transcripts: 3 prime UTR variant (3).
Genome position (GRCh38, 1-based): chr2:86,217,050, C>T on the plus strand (G>A on the coding strand, the complement: REEP1 is on the minus strand). VCF-style: chr2-86217050-C-T. GRCh37 (hg19) VCF-style: chr2-86444173-C-T.
Other names: c.*50G>A (NM_001164730.2, NM_001164731.2, NM_022912.3); c.421G>A, p.Glu141Lys (NM_001164732.2); c.478G>A, p.Glu160Lys (NM_001371280.1); c.421G>A (NM_001164732.1); short protein forms E141K, E160K, E282K.
Identifiers: ClinVar variation 215087 (VCV000215087.64), dbSNP rs189652973, ClinGen allele CA322595.